The following is an entry in ClinVar:

NC_000002.11:g.(?_232597662)_(232597763_?)dup

Gene: PDE6D (phosphodiesterase 6D; minus strand). Cytogenetic location: 2q37.1.
Variant type: Duplication.
Identifiers: ClinVar variation 2424498 (VCV002424498.4).

ClinVar aggregate classification (germline): Uncertain significance (1 of 4 stars; one submission).

Conditions:
Joubert syndrome 22 (JBTS22). Identifiers: Orphanet 2754, MedGen C3810278, MONDO:0014297, OMIM 615665.

Submission:

Labcorp Genetics (formerly Invitae), Labcorp
Classification: Uncertain significance for Joubert syndrome 22. Last evaluated: 2022-06-04. Review status: criteria provided, single submitter. Criteria: Invitae Variant Classification Sherloc (09022015). Collection method: clinical testing. Allele origin: germline.
Comment: This variant results in a copy number gain of the genomic region encompassing exon(s) 5 of the PDE6D gene. This region includes the termination codon of the gene. This copy number gain extends beyond the assayed region for this gene and therefore may encompass additional genes. As the precise location of this event is unknown, it may be in tandem or it may be located elsewhere in the genome. This variant has not been reported in the literature in individuals affected with PDE6D-related conditions. Experimental studies and prediction algorithms are not available or were not evaluated, and the functional significance of this variant is currently unknown. In summary, the available evidence is currently insufficient to determine the role of this variant in disease. Therefore, it has been classified as a Variant of Uncertain Significance.